The following is an entry in ClinVar:

NM_001004334.4(GPR179):c.3077G>A (p.Arg1026Gln)

Gene: GPR179 (G protein-coupled receptor 179; minus strand). Cytogenetic location: 17q12.
Variant type: single nucleotide variant.
Coding change: c.3077G>A on transcript NM_001004334.4 (MANE Select); coding-DNA position 3077, G replaced by A.
Protein change: p.Arg1026Gln; replaces arginine 1026 with glutamine.
Molecular consequence: missense variant.
Genome position (GRCh38, 1-based): chr17:38,330,492, C>T on the plus strand (G>A on the coding strand, the complement: GPR179 is on the minus strand). VCF-style: chr17-38330492-C-T. GRCh37 (hg19) VCF-style: chr17-36486375-C-T.
Other names: c.3077G>A (NM_001004334.2); short protein forms R1026Q.
Identifiers: ClinVar variation 1933251 (VCV001933251.7), dbSNP rs751002235, ClinGen allele CA290105385.
Genomic context (GRCh38, chr17:38,330,492, plus strand): 5'-TCATTCTCCCCAGCCCTGCTTTTCTCTACTGCAACAGAGAGGGCCCTCCAGAGCCTGGCT[C>T]GAGCTGGGGCAGGGGAGTGGTGGCCTCGCTCTGGCCCTGAGGGGCCTTCCTGGGGCACAT-3'
Protein context (NP_001004334.3, residues 1016-1036): ERGHHSPAPA[Arg1026Gln]ARLWRALSVA

ClinVar aggregate classification (germline): Uncertain significance. Review status: criteria provided, multiple submitters, no conflicts (2 of 4 stars). 3 submissions from 3 submitters: Uncertain significance (3). Last evaluated 2024-10-21.

Conditions:
Inborn genetic diseases. Identifiers: MedGen C0950123, MeSH D030342.

Allele frequency attached by ClinVar (database versions not stated): ExAC 0.00002.
gnomAD v4.1: 14 of 1,551,620 alleles (0.0009%); highest among the groups gnomAD compares: Middle Eastern, 0.017%; no homozygotes.

Submissions (3):

Labcorp Genetics (formerly Invitae), Labcorp
Classification: Uncertain significance. Last evaluated: 2024-10-21. Review status: criteria provided, single submitter. Criteria: Invitae Variant Classification Sherloc (09022015). Collection method: clinical testing. Allele origin: germline.
Comment: This sequence change replaces arginine, which is basic and polar, with glutamine, which is neutral and polar, at codon 1026 of the GPR179 protein (p.Arg1026Gln). This variant is present in population databases (rs751002235, gnomAD 0.01%). This variant has not been reported in the literature in individuals affected with GPR179-related conditions. ClinVar contains an entry for this variant (Variation ID: 1933251). An algorithm developed to predict the effect of missense changes on protein structure and function outputs the following: PolyPhen-2: "Possibly Damaging". The glutamine amino acid residue is found in multiple mammalian species, which suggests that this missense change does not adversely affect protein function. In summary, the available evidence is currently insufficient to determine the role of this variant in disease. Therefore, it has been classified as a Variant of Uncertain Significance.

Ambry Genetics
Classification: Uncertain significance for Inborn genetic diseases. Last evaluated: 2024-10-12. Review status: criteria provided, single submitter. Criteria: Ambry Variant Classification Scheme 2023. Collection method: clinical testing. Allele origin: germline.

Blueprint Genetics
Classification: Uncertain significance. Last evaluated: 2022-08-30. Review status: criteria provided, single submitter. Criteria: ACMG Guidelines, 2015. Collection method: clinical testing. Allele origin: germline.